The following is an entry in ClinVar:

ClinVar aggregate classification (germline): Uncertain significance. Review status: criteria provided, multiple submitters, no conflicts (2 of 4 stars). 2 submissions from 2 submitters: Uncertain significance (2). Last evaluated 2024-02-17.

Conditions:
Leber congenital amaurosis 4 (LCA4). Identifiers: MedGen C1858386, MONDO:0011458, OMIM 604393.

Allele frequency attached by ClinVar (database versions not stated): gnomAD exomes below 0.00001; ExAC 0.00001.
gnomAD v4.1: 3 of 1,613,400 alleles (0.00019%); highest among the groups gnomAD compares: South Asian, 0.0033%; no homozygotes.

Submissions (2):

Labcorp Genetics (formerly Invitae), Labcorp
Classification: Uncertain significance for Leber congenital amaurosis 4. Last evaluated: 2024-02-17. Review status: criteria provided, single submitter. Criteria: Invitae Variant Classification Sherloc (09022015). Collection method: clinical testing. Allele origin: germline.
Comment: This sequence change replaces proline, which is neutral and non-polar, with serine, which is neutral and polar, at codon 342 of the AIPL1 protein (p.Pro342Ser). The frequency data for this variant in the population databases is considered unreliable, as metrics indicate poor data quality at this position in the gnomAD database. This variant has not been reported in the literature in individuals affected with AIPL1-related conditions. ClinVar contains an entry for this variant (Variation ID: 2085478). Experimental studies and prediction algorithms are not available or were not evaluated, and the functional significance of this variant is currently unknown. In summary, the available evidence is currently insufficient to determine the role of this variant in disease. Therefore, it has been classified as a Variant of Uncertain Significance.

CeGaT Center for Human Genetics Tuebingen
Classification: Uncertain significance. Last evaluated: 2022-09-01. Review status: criteria provided, single submitter. Criteria: CeGaT Center For Human Genetics Tuebingen Variant Classification Criteria Version 2. Collection method: clinical testing. Allele origin: germline. Affected: yes. Observed: 1 variant allele.
Comment: AIPL1: PM2, BP4

NM_014336.5(AIPL1):c.1024C>T (p.Pro342Ser)

Gene: AIPL1 (AIP like 1 HSP90 co-chaperone; minus strand). Cytogenetic location: 17p13.2.
Variant type: single nucleotide variant.
Coding change: c.1024C>T on transcript NM_014336.5 (MANE Select); coding-DNA position 1024, C replaced by T.
Protein change: p.Pro342Ser; replaces proline 342 with serine.
Molecular consequence: missense variant. On other transcripts: 3 prime UTR variant (1).
Genome position (GRCh38, 1-based): chr17:6,425,591, G>A on the plus strand (C>T on the coding strand, the complement: AIPL1 is on the minus strand). VCF-style: chr17-6425591-G-A. GRCh37 (hg19) VCF-style: chr17-6328911-G-A.
Other names: c.835C>T, p.Pro279Ser (NM_001033054.3); c.844C>T, p.Pro282Ser (NM_001033055.3); c.988C>T, p.Pro330Ser (NM_001285399.3); c.958C>T, p.Pro320Ser (NM_001285400.3); c.952C>T, p.Pro318Ser (NM_001285401.3); c.907C>T, p.Pro303Ser (NM_001285402.2); c.*995C>T (NM_001285403.4); short protein forms P320S, P342S, P279S, P303S, P318S, P282S, P330S.
Identifiers: ClinVar variation 2085478 (VCV002085478.26), dbSNP rs750182531, ClinGen allele CA8328328.
Genomic context (GRCh38, chr17:6,425,591, plus strand): 5'-GCTCTGCAGATGGTGCTGTGGGTGGCTCTGCAGGTGGCTCTGTGGATGACTGTGCGGGTG[G>A]CTCTGTGGGTGGCTCTGCGGGAGGCTGCGTGGCACCCTGGCTCAGCATGTTCCGGCAGCG-3'
Protein context (NP_055151.3, residues 332-352): TQPPAEPPTE[Pro342Ser]PAQSSTEPPA